The following is an entry in ClinVar:

ClinVar aggregate classification (germline): Uncertain significance. Review status: criteria provided, multiple submitters, no conflicts (2 of 4 stars). 2 submissions from 2 submitters: Uncertain significance (2). Last evaluated 2025-07-28.

Conditions:
Hereditary cancer-predisposing syndrome. Also called: Neoplastic Syndromes, Hereditary; Tumor predisposition; Hereditary neoplastic syndrome; Hereditary Cancer Syndrome. Identifiers: Orphanet 140162, MedGen C0027672, MeSH D009386, MONDO:0015356.
Juvenile polyposis syndrome (JPS). Identifiers: Orphanet 2929, MedGen C0345893, MONDO:0017380, OMIM 174900.

Allele frequency attached by ClinVar (database versions not stated): gnomAD exomes below 0.00001; TOPMed below 0.00001.
gnomAD v4.1: 2 of 1,614,056 alleles (0.00012%); highest among the groups gnomAD compares: African/African-American, 0.0027%; no homozygotes.

Submissions (2):

Ambry Genetics
Classification: Uncertain significance for Hereditary cancer-predisposing syndrome. Last evaluated: 2025-07-28. Review status: criteria provided, single submitter. Criteria: Ambry Variant Classification Scheme 2023. Collection method: clinical testing. Allele origin: germline.
Comment: The p.A71V variant (also known as c.212C>T), located in coding exon 2 of the BMPR1A gene, results from a C to T substitution at nucleotide position 212. The alanine at codon 71 is replaced by valine, an amino acid with similar properties. This amino acid position is conserved. In addition, this alteration is predicted to be deleterious by in silico analysis. Since supporting evidence is limited at this time, the clinical significance of this alteration remains unclear.

Labcorp Genetics (formerly Invitae), Labcorp
Classification: Uncertain significance for Juvenile polyposis syndrome. Last evaluated: 2021-11-30. Review status: criteria provided, single submitter. Criteria: Invitae Variant Classification Sherloc (09022015). Collection method: clinical testing. Allele origin: germline.
Comment: This sequence change replaces alanine, which is neutral and non-polar, with valine, which is neutral and non-polar, at codon 71 of the BMPR1A protein (p.Ala71Val). This variant is not present in population databases (gnomAD no frequency). This variant has not been reported in the literature in individuals affected with BMPR1A-related conditions. Advanced modeling of protein sequence and biophysical properties (such as structural, functional, and spatial information, amino acid conservation, physicochemical variation, residue mobility, and thermodynamic stability) performed at Invitae indicates that this missense variant is not expected to disrupt BMPR1A protein function. In summary, the available evidence is currently insufficient to determine the role of this variant in disease. Therefore, it has been classified as a Variant of Uncertain Significance.

NM_004329.3(BMPR1A):c.212C>T (p.Ala71Val)

Gene: BMPR1A (bone morphogenetic protein receptor type 1A; plus strand). Cytogenetic location: 10q23.2.
Variant type: single nucleotide variant.
Coding change: c.212C>T on transcript NM_004329.3 (MANE Select); coding-DNA position 212, C replaced by T.
Protein change: p.Ala71Val; replaces alanine 71 with valine.
Molecular consequence: missense variant.
Genome position (GRCh38, 1-based): chr10:86,890,206, C>T. VCF-style: chr10-86890206-C-T. GRCh37 (hg19) VCF-style: chr10-88649963-C-T.
Other names: c.212C>T (NM_004329.2); short protein forms A71V.
Identifiers: ClinVar variation 1491799 (VCV001491799.6), dbSNP rs1843128283, ClinGen allele CA377447178.